The following is an entry in ClinVar:

NM_022829.6(SLC13A3):c.1235C>T (p.Thr412Ile)

Gene: SLC13A3 (solute carrier family 13 member 3; minus strand). Cytogenetic location: 20q13.12.
Variant type: single nucleotide variant.
Coding change: c.1235C>T on transcript NM_022829.6 (MANE Select); coding-DNA position 1235, C replaced by T.
Protein change: p.Thr412Ile; replaces threonine 412 with isoleucine.
Molecular consequence: missense variant.
Genome position (GRCh38, 1-based): chr20:46,575,670, G>A on the plus strand (C>T on the coding strand, the complement: SLC13A3 is on the minus strand). VCF-style: chr20-46575670-G-A. GRCh37 (hg19) VCF-style: chr20-45204309-G-A.
Other names: c.1094C>T, p.Thr365Ile (NM_001011554.3); c.1085C>T, p.Thr362Ile (NM_001193339.2); c.989C>T, p.Thr330Ile (NM_001193340.2); c.941C>T, p.Thr314Ile (NM_001193342.2); c.1235C>T (NM_022829.5); short protein forms T314I, T412I, T362I, T330I, T365I.
Identifiers: ClinVar variation 2190665 (VCV002190665.3), dbSNP rs1008644591, ClinGen allele CA9891348.

ClinVar aggregate classification (germline): Uncertain significance. Review status: criteria provided, multiple submitters, no conflicts (2 of 4 stars). 2 submissions from 2 submitters: Uncertain significance (2). Last evaluated 2024-03-15.

Allele frequency attached by ClinVar (database versions not stated): ExAC 0.00001; gnomAD exomes 0.00001; gnomAD 0.00005; TOPMed 0.00005.
gnomAD v4.1: 15 of 1,595,380 alleles (0.00094%); highest among the groups gnomAD compares: African/African-American, 0.02%; no homozygotes.

Submissions (2):

Ambry Genetics
Classification: Uncertain significance. Last evaluated: 2024-03-15. Review status: criteria provided, single submitter. Criteria: Ambry Variant Classification Scheme 2023. Collection method: clinical testing. Allele origin: germline.

Labcorp Genetics (formerly Invitae), Labcorp
Classification: Uncertain significance. Last evaluated: 2022-08-06. Review status: criteria provided, single submitter. Criteria: Invitae Variant Classification Sherloc (09022015). Collection method: clinical testing. Allele origin: germline.
Comment: In summary, the available evidence is currently insufficient to determine the role of this variant in disease. Therefore, it has been classified as a Variant of Uncertain Significance. Algorithms developed to predict the effect of missense changes on protein structure and function (SIFT, PolyPhen-2, Align-GVGD) all suggest that this variant is likely to be tolerated. This variant has not been reported in the literature in individuals affected with SLC13A3-related conditions. The frequency data for this variant in the population databases is considered unreliable, as metrics indicate poor data quality at this position in the gnomAD database. This sequence change replaces threonine, which is neutral and polar, with isoleucine, which is neutral and non-polar, at codon 412 of the SLC13A3 protein (p.Thr412Ile).